The following is an entry in ClinVar:

Single allele

Genes: PRKCA (protein kinase C alpha; plus strand), PRKCA-AS1 (PRKCA antisense RNA 1; minus strand), LOC112533660 (Sharpr-MPRA regulatory region 12714; plus strand), LOC121852945 (Sharpr-MPRA regulatory region 12401; plus strand), LOC125316774 (Sharpr-MPRA regulatory region 4299; plus strand) and 4 more. Cytogenetic location: 17q24.2.
Variant type: Deletion.
Identifiers: ClinVar variation 157400 (VCV000157400.2).

ClinVar aggregate classification (germline): not provided (0 of 4 stars; one submission).

Conditions:
Small for gestational age. Also called: Low birth weight. Identifiers: MedGen C0235991, HP:0001518.

Submission:

Institute of Molecular and Cell Biology, University of Tartu
No classification provided. Condition: Small for gestational age. Review status: no classification provided. Collection method: case-control. Allele origin: unknown. Affected: yes. Study: Kasak2014.
Comment: The study aimed to determine the contribution of copy number variants in the genetic etiology of normal and complicated pregnancies. The samples represented (i) maternal blood DNA drawn from healthy pregnant women during 1st or 2nd trimester and (ii) maternal and paternal blood DNA drawn at term pregnancy cases representing normal and complicated gestations (severe preeclampsia, PE; gestational diabetes, GD; small-for-gestational age newborn, SGA; large-for-gestational age newborn, LGA). We performed CNV calling based on genome-wide genotyping dataset (Illumina HumanOmniExpress-24-v1 BeadChip) by applying three algorithms, QuantiSNP, GADA (Genome Alteration Detection Algorithm) and CNstream in parallel. The acquired CNV calls were merged with HD-CNV (Hotspot Detector for Copy Number Variants) program and only the CNVs predicted by at least two programs, were considered in subsequent analysis.

Literature cited by the submitters: PubMed 25666259.